The following is an entry in ClinVar:

ClinVar aggregate classification (germline): Uncertain significance. Review status: criteria provided, multiple submitters, no conflicts (2 of 4 stars). 2 submissions from 2 submitters: Uncertain significance (2). Last evaluated 2026-07-28.

Conditions:
NDP-related disorder. Also called: NDP-related condition.

Submissions (2):

PreventionGenetics, part of Exact Sciences
Classification: Uncertain significance for NDP-related condition. Last evaluated: 2026-07-28. Review status: criteria provided, single submitter. Criteria: ACMG Guidelines, 2015. Collection method: clinical testing. Allele origin: germline.
Comment: The NDP c.-343A>G variant is located in the 5' untranslated region. This variant was reported in heterozygous state in an individual with retinopathy of prematurity (Figure 1B, Hiraoka et al. 2010. PubMed ID: 21151595) and in hemizygous state in an individual with familial exudative vitreoretinopathy (Table 1, Ju et al. 2024. PubMed ID: 38280677). This variant is reported in 0.53% of alleles in individuals of East Asian descent in gnomAD, including one hemizygote. At this time, the clinical significance of this variant is uncertain due to the absence of conclusive functional and genetic evidence.

Blueprint Genetics
Classification: Uncertain significance. Last evaluated: 2023-02-10. Review status: criteria provided, single submitter. Criteria: ACMG Guidelines, 2015. Collection method: clinical testing. Allele origin: germline.

NM_000266.3(NDP):c.-343A>G

Gene: NDP (norrin cystine knot growth factor NDP; minus strand). Cytogenetic location: Xp11.3.
Variant type: single nucleotide variant.
Coding change: c.-343A>G on transcript NM_000266.3; 343 bases upstream of the start codon, A replaced by G.
Genome position (GRCh38, 1-based): chrX:43,973,439, T>C on the plus strand (A>G on the coding strand, the complement: NDP is on the minus strand). VCF-style: chrX-43973439-T-C. GRCh37 (hg19) VCF-style: chrX-43832685-T-C.
Identifiers: ClinVar variation 4950119 (VCV004950119.2).
Genomic context (GRCh38, chrX:43,973,439, plus strand): 5'-TTTTGTTCTTCTGTCCCTCTGTCACATGGCTTGCCTTTTATATTTGCAACACACAAAAGT[T>C]AGGACTGTTGTTTAAGCGACACAGGGAGAGAGAGAGAGGGAGAGAGAGAGGGAGAGAGAG-3'